The following is an entry in ClinVar:

NM_001376.5(DYNC1H1):c.7118T>A (p.Met2373Lys)

Gene: DYNC1H1 (dynein cytoplasmic 1 heavy chain 1; plus strand). Cytogenetic location: 14q32.31.
Variant type: single nucleotide variant.
Coding change: c.7118T>A on transcript NM_001376.5 (MANE Select); coding-DNA position 7118, T replaced by A.
Protein change: p.Met2373Lys; replaces methionine 2373 with lysine.
Molecular consequence: missense variant.
Genome position (GRCh38, 1-based): chr14:102,015,208, T>A. VCF-style: chr14-102015208-T-A. GRCh37 (hg19) VCF-style: chr14-102481545-T-A.
Other names: short protein forms M2373K.
Identifiers: ClinVar variation 2128951 (VCV002128951.4), dbSNP rs2503765224, ClinGen allele CA391060129.

ClinVar aggregate classification (germline): Uncertain significance (1 of 4 stars; one submission).

Conditions:
Charcot-Marie-Tooth disease axonal type 2O. Also called: CHARCOT-MARIE-TOOTH NEUROPATHY, AXONAL, TYPE 2O; CHARCOT-MARIE-TOOTH DISEASE, AXONAL, AUTOSOMAL DOMINANT, TYPE 2O; Charcot-Marie-Tooth disease, axonal, type 20; Charcot-Marie-Tooth Neuropathy Type 2O. Identifiers: Orphanet 284232, MedGen C3280220, MONDO:0013644, OMIM 614228.

Submission:

Labcorp Genetics (formerly Invitae), Labcorp
Classification: Uncertain significance for Charcot-Marie-Tooth disease axonal type 2O. Last evaluated: 2022-05-25. Review status: criteria provided, single submitter. Criteria: Invitae Variant Classification Sherloc (09022015). Collection method: clinical testing. Allele origin: germline.
Comment: In summary, the available evidence is currently insufficient to determine the role of this variant in disease. Therefore, it has been classified as a Variant of Uncertain Significance. Advanced modeling of protein sequence and biophysical properties (such as structural, functional, and spatial information, amino acid conservation, physicochemical variation, residue mobility, and thermodynamic stability) performed at Invitae indicates that this missense variant is not expected to disrupt DYNC1H1 protein function. This variant has not been reported in the literature in individuals affected with DYNC1H1-related conditions. This variant is not present in population databases (gnomAD no frequency). This sequence change replaces methionine, which is neutral and non-polar, with lysine, which is basic and polar, at codon 2373 of the DYNC1H1 protein (p.Met2373Lys).